The following is an entry in ClinVar:

ClinVar aggregate classification (germline): Conflicting classifications of pathogenicity. Review status: criteria provided, conflicting classifications (1 of 4 stars). 8 submissions from 8 submitters: Uncertain significance (2); Benign (1); Likely benign (4). 1 of the submissions does not count toward it. Last evaluated 2026-04-27.

Conditions:
Duchenne muscular dystrophy (DMD). Also called: Duchenne Muscular Dystrophy (DMD); MUSCULAR DYSTROPHY, PSEUDOHYPERTROPHIC PROGRESSIVE, DUCHENNE TYPE. Identifiers: Orphanet 98896, MedGen C0013264, MONDO:0010679, OMIM 310200.
Dilated cardiomyopathy 3B (CMD3B). Also called: CMD3B: DMD-Related Dilated Cardiomyopathy; CARDIOMYOPATHY, DILATED, X-LINKED; DMD-Associated Dilated Cardiomyopathy. Identifiers: Orphanet 154, MedGen C3668940, MONDO:0010542, OMIM 302045.
Dystrophin deficiency.
Cardiomyopathy (CMYO). Also called: Cardiomyopathies. Identifiers: Orphanet 167848, MedGen C0878544, MONDO:0004994, HP:0001638. Inheritance: Various modes of inheritance.
Becker muscular dystrophy (BMD). Also called: MUSCULAR DYSTROPHY, PSEUDOHYPERTROPHIC PROGRESSIVE, BECKER TYPE; Becker Muscular Dystrophy (BMD). Identifiers: Orphanet 98895, MedGen C0917713, MONDO:0010311, OMIM 300376.

Allele frequency attached by ClinVar (database versions not stated): gnomAD exomes 0.00007 and 0.00016; ExAC 0.00008; gnomAD 0.00008 and 0.00009; ESP Exome Variant Server 0.00009; TOPMed 0.00012.
gnomAD v4.1: 186 of 1,209,016 alleles (0.015%); highest among the groups gnomAD compares: Non-Finnish European, 0.02%; 1 homozygote.

Submissions (8):

Women's Health and Genetics/Laboratory Corporation of America, LabCorp
Classification: Benign. Last evaluated: 2026-04-27. Review status: criteria provided, single submitter. Criteria: LabCorp Variant Classification Summary - May 2015. Collection method: clinical testing. Allele origin: germline.
Comment: Variant summary: DMD c.530+7A>T alters a nucleotide located at a position not widely known to affect splicing. Consensus agreement among computation tools predict no significant impact on normal splicing. However, these predictions have yet to be confirmed by functional studies. The variant allele was found at a frequency of 7.1e-05 in 183293 control chromosomes. The observed variant frequency exceeds the estimated maximal expected allele frequency for disease-causing variants in DMD. To our knowledge, no experimental evidence demonstrating its impact on protein function has been reported. ClinVar contains an entry for this variant (Variation ID: 368253). Based on the evidence outlined above, the variant was classified as benign.

Labcorp Genetics (formerly Invitae), Labcorp
Classification: Likely benign for Duchenne muscular dystrophy. Last evaluated: 2026-01-26. Review status: criteria provided, single submitter. Criteria: Invitae Variant Classification Sherloc (09022015). Collection method: clinical testing. Allele origin: germline.

Blueprint Genetics
Classification: Likely benign. Last evaluated: 2024-11-21. Review status: criteria provided, single submitter. Criteria: ACMG Guidelines, 2015. Collection method: clinical testing. Allele origin: germline.

CeGaT Center for Human Genetics Tuebingen
Classification: Likely benign. Last evaluated: 2022-10-01. Review status: criteria provided, single submitter. Criteria: CeGaT Center For Human Genetics Tuebingen Variant Classification Criteria Version 2. Collection method: clinical testing. Allele origin: germline. Affected: yes. Observed: 2 variant alleles.
Comment: DMD: BP4, BS2

GeneDx
Classification: Likely benign. Last evaluated: 2018-05-25. Review status: criteria provided, single submitter. Criteria: GeneDx Variant Classification Process June 2021. Collection method: clinical testing. Allele origin: germline. Affected: yes.
Comment: This variant is associated with the following publications: (PMID: 19937601)

Illumina Laboratory Services, Illumina
Classification: Uncertain significance for Dilated cardiomyopathy 3B. Last evaluated: 2018-01-12. Review status: criteria provided, single submitter. Criteria: ICSL Variant Classification Criteria 13 December 2019. Collection method: clinical testing. Allele origin: germline.

Eurofins Ntd Llc (ga)
Classification: Uncertain significance. Last evaluated: 2017-01-05. Review status: criteria provided, single submitter. Criteria: EGL Classification Definitions 2015. Collection method: clinical testing. Allele origin: germline. Observed: 1 variant allele, 1 heterozygote.

Natera, Inc.
Classification: Likely benign for Becker muscular dystrophy; Cardiomyopathy; Duchenne muscular dystrophy; Dystrophin deficiency. Last evaluated: 2019-06-25. Review status: no assertion criteria provided. Collection method: clinical testing. Allele origin: germline. Not counted in ClinVar's aggregate classification.

NM_004006.3(DMD):c.530+7A>T

Gene: DMD (dystrophin; minus strand). Cytogenetic location: Xp21.1.
Variant type: single nucleotide variant.
Coding change: c.530+7A>T on transcript NM_004006.3 (MANE Select); 7 bases into the intron after coding-DNA position 530, A replaced by T.
Molecular consequence: intron variant.
Genome position (GRCh38, 1-based): chrX:32,816,461, T>A on the plus strand (A>T on the coding strand, the complement: DMD is on the minus strand). VCF-style: chrX-32816461-T-A. GRCh37 (hg19) VCF-style: chrX-32834578-T-A.
Other names: c.506+7A>T (NM_000109.4); c.518+7A>T (NM_004009.3); c.161+7A>T (NM_004010.3).
Identifiers: ClinVar variation 368253 (VCV000368253.62), dbSNP rs72470523, ClinGen allele CA10380144.